The following is an entry in ClinVar:

ClinVar aggregate classification (germline): Uncertain significance. Review status: criteria provided, multiple submitters, no conflicts (2 of 4 stars). 2 submissions from 2 submitters: Uncertain significance (2). Last evaluated 2025-08-18.

Conditions:
Hereditary cancer-predisposing syndrome. Also called: Neoplastic Syndromes, Hereditary; Tumor predisposition; Hereditary neoplastic syndrome; Hereditary Cancer Syndrome. Identifiers: Orphanet 140162, MedGen C0027672, MeSH D009386, MONDO:0015356.
Cardiovascular phenotype. Identifiers: MedGen CN230736.
Neurofibromatosis, type 1 (NF1). Also called: NEUROFIBROMATOSIS, TYPE I, SOMATIC; Peripheral type neurofibromatosis; VON RECKLINGHAUSEN DISEASE; Neurofibromatosis, type I. Identifiers: Orphanet 636, MedGen C0027831, MONDO:0018975, OMIM 162200. Disease mechanism: loss of function.

Submissions (2):

Labcorp Genetics (formerly Invitae), Labcorp
Classification: Uncertain significance for Neurofibromatosis, type 1. Last evaluated: 2025-08-18. Review status: criteria provided, single submitter. Criteria: Invitae Variant Classification Sherloc (09022015). Collection method: clinical testing. Allele origin: germline.
Comment: This sequence change replaces arginine, which is basic and polar, with glycine, which is neutral and non-polar, at codon 815 of the NF1 protein (p.Arg815Gly). This variant is not present in population databases (gnomAD no frequency). This variant has not been reported in the literature in individuals affected with NF1-related conditions. ClinVar contains an entry for this variant (Variation ID: 1791358). Invitae Evidence Modeling of protein sequence and biophysical properties (such as structural, functional, and spatial information, amino acid conservation, physicochemical variation, residue mobility, and thermodynamic stability) indicates that this missense variant is not expected to disrupt NF1 protein function with a negative predictive value of 95%. In summary, the available evidence is currently insufficient to determine the role of this variant in disease. Therefore, it has been classified as a Variant of Uncertain Significance.

Ambry Genetics
Classification: Uncertain significance for Cardiovascular phenotype; Hereditary cancer-predisposing syndrome. Last evaluated: 2023-11-21. Review status: criteria provided, single submitter. Criteria: Ambry Variant Classification Scheme 2023. Collection method: clinical testing. Allele origin: germline.
Comment: The p.R815G variant (also known as c.2443A>G), located in coding exon 21 of the NF1 gene, results from an A to G substitution at nucleotide position 2443. The arginine at codon 815 is replaced by glycine, an amino acid with dissimilar properties. This amino acid position is highly conserved in available vertebrate species. In addition, the in silico prediction for this alteration is inconclusive. Since supporting evidence is limited at this time, the clinical significance of this alteration remains unclear.

NM_001042492.3(NF1):c.2443A>G (p.Arg815Gly)

Gene: NF1 (neurofibromin 1; plus strand). Cytogenetic location: 17q11.2.
Variant type: single nucleotide variant.
Coding change: c.2443A>G on transcript NM_001042492.3 (MANE Select); coding-DNA position 2443, A replaced by G.
Protein change: p.Arg815Gly; replaces arginine 815 with glycine.
Molecular consequence: missense variant.
Genome position (GRCh38, 1-based): chr17:31,229,058, A>G. VCF-style: chr17-31229058-A-G. GRCh37 (hg19) VCF-style: chr17-29556076-A-G.
Other names: c.2443A>G, p.Arg815Gly (NM_000267.4); short protein forms R815G.
Identifiers: ClinVar variation 1791358 (VCV001791358.3), dbSNP rs2151428866, ClinGen allele CA398983900.